The following is an entry in ClinVar:

NM_007294.4(BRCA1):c.1344C>G (p.His448Gln)

Gene: BRCA1 (BRCA1 DNA repair associated; minus strand). Cytogenetic location: 17q21.31.
Variant type: single nucleotide variant.
Coding change: c.1344C>G on transcript NM_007294.4 (MANE Select); coding-DNA position 1344, C replaced by G.
Protein change: p.His448Gln; replaces histidine 448 with glutamine.
Molecular consequence: missense variant. On other transcripts: intron variant (137).
Genome position (GRCh38, 1-based): chr17:43,094,187, G>C on the plus strand (C>G on the coding strand, the complement: BRCA1 is on the minus strand). VCF-style: chr17-43094187-G-C. GRCh37 (hg19) VCF-style: chr17-41246204-G-C.
Other names: c.1131C>G, p.His377Gln (NM_001407571.1, NM_001407853.1, NM_001407894.1 and 9 more transcripts); c.1344C>G, p.His448Gln (NM_001407581.1, NM_001407582.1, NM_001407583.1 and 30 more transcripts); c.1341C>G, p.His447Gln (NM_001407587.1, NM_001407590.1, NM_001407591.1 and 22 more transcripts); c.1335C>G, p.His445Gln (NM_001407646.1, NM_001407647.1); c.1221C>G, p.His407Gln (NM_001407648.1, NM_001407664.1, NM_001407665.1 and 19 more transcripts); c.1218C>G, p.His406Gln (NM_001407649.1, NM_001407670.1, NM_001407671.1 and 11 more transcripts); c.1266C>G, p.His422Gln (NM_001407653.1, NM_001407654.1, NM_001407655.1 and 4 more transcripts); c.1263C>G, p.His421Gln (NM_001407659.1, NM_001407660.1, NM_001407661.1 and 1 more transcripts); and 40 more; short protein forms H401Q, H448Q, H320Q, H336Q, H400Q, H447Q, H321Q, H360Q.
Identifiers: ClinVar variation 1058860 (VCV001058860.12), dbSNP rs1395644015, ClinGen allele CA10599361.

ClinVar aggregate classification (germline): Conflicting classifications of pathogenicity. Review status: criteria provided, conflicting classifications (1 of 4 stars). 2 submissions from 2 submitters: Uncertain significance (1); Likely benign (1). Last evaluated 2023-03-23.

Conditions:
Hereditary cancer-predisposing syndrome. Also called: Neoplastic Syndromes, Hereditary; Hereditary Cancer Syndrome; Hereditary neoplastic syndrome; Tumor predisposition. Identifiers: Orphanet 140162, MedGen C0027672, MeSH D009386, MONDO:0015356.
Hereditary breast ovarian cancer syndrome. Also called: Hereditary breast and/or ovarian cancer syndrome; Breast and ovarian cancer; BRCA1- and BRCA2-Associated Hereditary Breast and Ovarian Cancer; Hereditary breast and ovarian cancer syndrome; Hereditary breast and ovarian cancer syndrome (HBOC); Hereditary breast and ovarian cancer. Identifiers: Orphanet 145, MedGen C0677776, MeSH D061325, MONDO:0003582. Disease mechanism: loss of function.

Submissions (2):

University of Washington Department of Laboratory Medicine, University of Washington
Classification: Likely benign for Hereditary cancer-predisposing syndrome. Last evaluated: 2023-03-23. Review status: criteria provided, single submitter. Criteria: Dines et al. (Genet Med. 2020). Collection method: curation. Allele origin: germline.
Comment: Missense variant in a coldspot region where missense variants are very unlikely to be pathogenic (PMID:31911673).

BRCA1 coldspot (exon 11 using historical exon numbering). Reclassification based on statistical prior probability

Labcorp Genetics (formerly Invitae), Labcorp
Classification: Uncertain significance for Hereditary breast ovarian cancer syndrome. Last evaluated: 2020-10-10. Review status: criteria provided, single submitter. Criteria: Invitae Variant Classification Sherloc (09022015). Collection method: clinical testing. Allele origin: germline.
Comment: This variant is not present in population databases (ExAC no frequency). This sequence change replaces histidine with glutamine at codon 448 of the BRCA1 protein (p.His448Gln). The histidine residue is moderately conserved and there is a small physicochemical difference between histidine and glutamine. This variant has not been reported in the literature in individuals with BRCA1-related conditions. Advanced modeling of protein sequence and biophysical properties (such as structural, functional, and spatial information, amino acid conservation, physicochemical variation, residue mobility, and thermodynamic stability) performed at Invitae indicates that this missense variant is not expected to disrupt BRCA1 protein function. In summary, the available evidence is currently insufficient to determine the role of this variant in disease. Therefore, it has been classified as a Variant of Uncertain Significance.